The following is an entry in ClinVar:

ClinVar aggregate classification (germline): Conflicting classifications of pathogenicity. Review status: criteria provided, conflicting classifications (1 of 4 stars). 2 submissions from 2 submitters: Uncertain significance (1); Likely benign (1). Last evaluated 2018-01-13.

Conditions:
Mitochondrial complex III deficiency nuclear type 4. Identifiers: MedGen C3554607, MONDO:0014065, OMIM 615159.

Allele frequency attached by ClinVar (database versions not stated): TOPMed 0.00012; gnomAD 0.00015 and 0.00016; gnomAD exomes 0.00021 and 0.00025; ExAC 0.00025.

Submissions (2):

Illumina Laboratory Services, Illumina
Classification: Uncertain significance for Mitochondrial complex III deficiency nuclear type 4. Last evaluated: 2018-01-13. Review status: criteria provided, single submitter. Criteria: ICSL Variant Classification Criteria 13 December 2019. Collection method: clinical testing. Allele origin: germline.

GeneDx
Classification: Likely benign. Last evaluated: 2017-02-02. Review status: criteria provided, single submitter. Criteria: GeneDx Variant Classification (06012015). Collection method: clinical testing. Allele origin: germline. Affected: yes.
Comment: This variant is considered likely benign or benign based on one or more of the following criteria: it is a conservative change, it occurs at a poorly conserved position in the protein, it is predicted to be benign by multiple in silico algorithms, and/or has population frequency not consistent with disease.

NM_014402.5(UQCRQ):c.*18C>T

Gene: UQCRQ (ubiquinol-cytochrome c reductase complex III subunit VII; plus strand). Cytogenetic location: 5q31.1.
Variant type: single nucleotide variant.
Coding change: c.*18C>T on transcript NM_014402.5 (MANE Select); 18 bases downstream of the stop codon, C replaced by T.
Molecular consequence: 3 prime UTR variant.
Genome position (GRCh38, 1-based): chr5:132,867,600, C>T. VCF-style: chr5-132867600-C-T. GRCh37 (hg19) VCF-style: chr5-132203292-C-T.
Identifiers: ClinVar variation 350840 (VCV000350840.5), dbSNP rs768723651, ClinGen allele CA3408512.